The following is an entry in ClinVar:

NM_003059.3(SLC22A4):c.1379C>T (p.Ala460Val)

Genes: MIR3936HG (MIR3936 host gene; minus strand), SLC22A4 (solute carrier family 22 member 4; plus strand). Cytogenetic location: 5q31.1.
Variant type: single nucleotide variant.
Coding change: c.1379C>T on transcript NM_003059.3 (MANE Select); coding-DNA position 1379, C replaced by T.
Protein change: p.Ala460Val; replaces alanine 460 with valine.
Molecular consequence: missense variant.
Genome position (GRCh38, 1-based): chr5:132,335,935, C>T. VCF-style: chr5-132335935-C-T. GRCh37 (hg19) VCF-style: chr5-131671628-C-T.
Other names: short protein forms A460V.
Identifiers: ClinVar variation 3605945 (VCV003605945.2).
Genomic context (GRCh38, chr5:132,335,935, plus strand): 5'-CTTTCTCCATGCTGTATGTCTTCACTGCTGAGCTCTACCCAACCCTGGTCAGGAACATGG[C>T]GGTGGGGGTCACATCCACGGCCTCCAGAGTGGGCAGCATCATTGCCCCCTACTTTGTTTA-3'
Protein context (NP_003050.2, residues 450-470): ELYPTLVRNM[Ala460Val]VGVTSTASRV

ClinVar aggregate classification (germline): Uncertain significance (1 of 4 stars; one submission).

gnomAD v4.1: 42 of 1,614,154 alleles (0.0026%); highest among the groups gnomAD compares: Admixed American, 0.017%; no homozygotes.

Submission:

Labcorp Genetics (formerly Invitae), Labcorp
Classification: Uncertain significance. Last evaluated: 2025-08-30. Review status: criteria provided, single submitter. Criteria: Invitae Variant Classification Sherloc (09022015). Collection method: clinical testing. Allele origin: germline.
Comment: This sequence change replaces alanine, which is neutral and non-polar, with valine, which is neutral and non-polar, at codon 460 of the SLC22A4 protein (p.Ala460Val). This variant is present in population databases (rs200543879, gnomAD 0.03%). This variant has not been reported in the literature in individuals affected with SLC22A4-related conditions. ClinVar contains an entry for this variant (Variation ID: 3605945). Invitae Evidence Modeling of protein sequence and biophysical properties (such as structural, functional, and spatial information, amino acid conservation, physicochemical variation, residue mobility, and thermodynamic stability) indicates that this missense variant is not expected to disrupt SLC22A4 protein function with a negative predictive value of 80%. In summary, the available evidence is currently insufficient to determine the role of this variant in disease. Therefore, it has been classified as a Variant of Uncertain Significance.